The following is an entry in ClinVar:

ClinVar aggregate classification (germline): Conflicting classifications of pathogenicity. Review status: criteria provided, conflicting classifications (1 of 4 stars). 3 submissions from 3 submitters: Pathogenic (1); Uncertain significance (1). 1 of the submissions does not count toward it. Last evaluated 2025-07-27.
ClinVar aggregate classification (oncogenicity): Likely oncogenic (1 of 4 stars; one submission).

Conditions:
Hereditary cancer-predisposing syndrome. Also called: Tumor predisposition; Hereditary neoplastic syndrome; Neoplastic Syndromes, Hereditary; Hereditary Cancer Syndrome. Identifiers: Orphanet 140162, MedGen C0027672, MeSH D009386, MONDO:0015356.
Colorectal cancer, susceptibility to, 12 (CRCS12). Also called: COLORECTAL CANCER, SUSCEPTIBILITY TO, ON CHROMOSOME 12q24. Identifiers: Orphanet 220460, MedGen C3554460, MONDO:0014038, OMIM 615083.
Neoplasm. Also called: Neoplasms; Neoplasm (disease); tumor. Identifiers: MedGen C0027651, MeSH D009369, MONDO:0005070, HP:0002664.

Allele frequency attached by ClinVar (database versions not stated): TOPMed below 0.00001; gnomAD exomes 0.00001.
gnomAD v4.1: 7 of 1,613,876 alleles (0.00043%); highest among the groups gnomAD compares: East Asian, 0.0022%; no homozygotes.

Submissions (4):

Center for Genomic Medicine, Rigshospitalet, Copenhagen University Hospital
Classification: Likely oncogenic for Neoplasm. Last evaluated: 2025-12-29. Review status: criteria provided, single submitter. Criteria: ClinGen/CGC/VICC Guidelines for Oncogenicity, 2022. Collection method: clinical testing. Allele origin: somatic. Affected: yes.

Labcorp Genetics (formerly Invitae), Labcorp
Classification: Pathogenic. Last evaluated: 2025-07-27. Review status: criteria provided, single submitter. Criteria: Invitae Variant Classification Sherloc (09022015). Collection method: clinical testing. Allele origin: germline.
Comment: This sequence change creates a premature translational stop signal (p.Arg2127*) in the POLE gene. It is expected to result in an absent or disrupted protein product. Loss-of-function variants in POLE are known to be pathogenic (PMID: 23230001, 25948378, 30503519). This variant is not present in population databases (gnomAD no frequency). This variant has not been reported in the literature in individuals affected with POLE-related conditions. ClinVar contains an entry for this variant (Variation ID: 371916). For these reasons, this variant has been classified as Pathogenic.

Ambry Genetics
Classification: Uncertain significance for Hereditary cancer-predisposing syndrome. Last evaluated: 2025-01-14. Review status: criteria provided, single submitter. Criteria: Ambry Variant Classification Scheme 2023. Collection method: clinical testing. Allele origin: germline.
Comment: The p.R2127* variant (also known as c.6379C>T), located in coding exon 46 of the POLE gene, results from a C to T substitution at nucleotide position 6379. This changes the amino acid from an arginine to a stop codon within coding exon 46. Loss-of-function variants subject to nonsense mediated decay (NMD) in POLE are known to cause POLE deficiency; however, such associations with POLE-related polymerase proofreading-associated polyposis (PPAP) have not been reported. Based on the supporting evidence, this alteration is pathogenic for POLE deficiency; however, the association of this alteration with POLE-related polymerase proofreading-associated polyposis (PPAP) is unknown.

Counsyl
Classification: Uncertain significance for Colorectal cancer, susceptibility to, 12. Last evaluated: 2016-08-19. Review status: no assertion criteria provided. Collection method: clinical testing. Allele origin: unknown. Not counted in ClinVar's aggregate classification.

Literature cited by the submitters: PubMed 23230001 (cited by Labcorp Genetics (formerly Invitae), Labcorp); PubMed 25948378 (cited by Labcorp Genetics (formerly Invitae), Labcorp); PubMed 30503519 (cited by Labcorp Genetics (formerly Invitae), Labcorp).

NM_006231.4(POLE):c.6379C>T (p.Arg2127Ter)

Gene: POLE (DNA polymerase epsilon, catalytic subunit; minus strand). Cytogenetic location: 12q24.33.
Variant type: single nucleotide variant.
Coding change: c.6379C>T on transcript NM_006231.4 (MANE Select); coding-DNA position 6379, C replaced by T.
Protein change: p.Arg2127Ter; replaces arginine 2127 with a stop codon.
Molecular consequence: nonsense.
Genome position (GRCh38, 1-based): chr12:132,626,269, G>A on the plus strand (C>T on the coding strand, the complement: POLE is on the minus strand). VCF-style: chr12-132626269-G-A. GRCh37 (hg19) VCF-style: chr12-133202855-G-A.
Other names: short protein forms R2127*.
Identifiers: ClinVar variation 371916 (VCV000371916.16), dbSNP rs1057517583, ClinGen allele CA16042125.